The following is an entry in ClinVar:

ClinVar aggregate classification (germline): Uncertain significance (1 of 4 stars; one submission).

Conditions:
Hereditary cancer-predisposing syndrome. Also called: Neoplastic Syndromes, Hereditary; Tumor predisposition; Hereditary Cancer Syndrome; Hereditary neoplastic syndrome. Identifiers: Orphanet 140162, MedGen C0027672, MeSH D009386, MONDO:0015356.

gnomAD v4.1: 4 of 1,613,918 alleles (0.00025%); highest among the groups gnomAD compares: Non-Finnish European, 0.00034%; no homozygotes.

Submission:

Ambry Genetics
Classification: Uncertain significance for Hereditary cancer-predisposing syndrome. Last evaluated: 2022-02-08. Review status: criteria provided, single submitter. Criteria: Ambry Variant Classification Scheme 2023. Collection method: clinical testing. Allele origin: germline.
Comment: The p.F1289L variant (also known as c.3867C>A), located in coding exon 9 of the MSH6 gene, results from a C to A substitution at nucleotide position 3867. The phenylalanine at codon 1289 is replaced by leucine, an amino acid with highly similar properties. This amino acid position is conserved. In addition, this alteration is predicted to be deleterious by in silico analysis. Since supporting evidence is limited at this time, the clinical significance of this alteration remains unclear.

NM_000179.3(MSH6):c.3867C>A (p.Phe1289Leu)

Gene: MSH6 (mutS homolog 6; plus strand). Cytogenetic location: 2p16.3.
Variant type: single nucleotide variant.
Coding change: c.3867C>A on transcript NM_000179.3 (MANE Select); coding-DNA position 3867, C replaced by A.
Protein change: p.Phe1289Leu; replaces phenylalanine 1289 with leucine.
Molecular consequence: missense variant. On other transcripts: nonsense (1).
Genome position (GRCh38, 1-based): chr2:47,806,517, C>A. VCF-style: chr2-47806517-C-A. GRCh37 (hg19) VCF-style: chr2-48033656-C-A.
Other names: c.3477C>A, p.Phe1159Leu (NM_001281492.2); c.2961C>A, p.Phe987Leu (NM_001281493.2, NM_001281494.2, NM_001406811.1 and 6 more transcripts); c.3963C>A, p.Phe1321Leu (NM_001406795.1); c.3867C>A, p.Phe1289Leu (NM_001406796.1, NM_001406808.1, NM_001406809.1); c.3570C>A, p.Phe1190Leu (NM_001406797.1, NM_001406801.1, NM_001406805.1 and 10 more transcripts); c.3693C>A, p.Phe1231Leu (NM_001406798.1); c.3342C>A, p.Phe1114Leu (NM_001406799.1, NM_001406806.1, NM_001406807.1); c.3854C>A, p.Ser1285Ter (NM_001406800.1); and 8 more; short protein forms F1114L, F1159L, F1190L, F1289L, F1321L, F216L, F238L, F987L.
Identifiers: ClinVar variation 1735648 (VCV001735648.2), dbSNP rs878853740, ClinGen allele CA346761347.
Genomic context (GRCh38, chr2:47,806,517, plus strand): 5'-CATGGTAGAAAATGAATGTGAAGACCCCAGCCAGGAGACTATTACGTTCCTCTATAAATT[C>A]ATTAAGGGAGCTTGTCCTAAAAGCTATGGCTTTAATGCAGCAAGGCTTGCTAATCTCCCA-3'
Protein context (NP_000170.1, residues 1279-1299): SQETITFLYK[Phe1289Leu]IKGACPKSYG